The following is an entry in ClinVar:

ClinVar aggregate classification (germline): Uncertain significance. Review status: criteria provided, multiple submitters, no conflicts (2 of 4 stars). 2 submissions from 2 submitters: Uncertain significance (2). Last evaluated 2024-09-01.

Conditions:
Familial hemiplegic migraine. Identifiers: MedGen C0338484, MONDO:0000700.

Allele frequency attached by ClinVar (database versions not stated): ExAC 0.00001.
gnomAD v4.1: 1 of 1,614,198 alleles (0.000062%); highest among the groups gnomAD compares: Non-Finnish European, 0.000085%; no homozygotes.

Submissions (2):

CeGaT Center for Human Genetics Tuebingen
Classification: Uncertain significance. Last evaluated: 2024-09-01. Review status: criteria provided, single submitter. Criteria: CeGaT Center For Human Genetics Tuebingen Variant Classification Criteria Version 2. Collection method: clinical testing. Allele origin: germline. Affected: yes. Observed: 1 variant allele.
Comment: ATP1A2: PM2, PP2

Labcorp Genetics (formerly Invitae), Labcorp
Classification: Uncertain significance for Familial hemiplegic migraine. Last evaluated: 2023-02-08. Review status: criteria provided, single submitter. Criteria: Invitae Variant Classification Sherloc (09022015). Collection method: clinical testing. Allele origin: germline.
Comment: This sequence change replaces leucine, which is neutral and non-polar, with valine, which is neutral and non-polar, at codon 955 of the ATP1A2 protein (p.Leu955Val). This variant is present in population databases (rs752050966, gnomAD 0.0009%). This variant has not been reported in the literature in individuals affected with ATP1A2-related conditions. Advanced modeling of protein sequence and biophysical properties (such as structural, functional, and spatial information, amino acid conservation, physicochemical variation, residue mobility, and thermodynamic stability) performed at Invitae indicates that this missense variant is not expected to disrupt ATP1A2 protein function. In summary, the available evidence is currently insufficient to determine the role of this variant in disease. Therefore, it has been classified as a Variant of Uncertain Significance.

NM_000702.4(ATP1A2):c.2863C>G (p.Leu955Val)

Gene: ATP1A2 (ATPase Na+/K+ transporting subunit alpha 2; plus strand). Cytogenetic location: 1q23.2.
Variant type: single nucleotide variant.
Coding change: c.2863C>G on transcript NM_000702.4 (MANE Select); coding-DNA position 2863, C replaced by G.
Protein change: p.Leu955Val; replaces leucine 955 with valine.
Molecular consequence: missense variant.
Genome position (GRCh38, 1-based): chr1:160,139,662, C>G. VCF-style: chr1-160139662-C-G. GRCh37 (hg19) VCF-style: chr1-160109452-C-G.
Other names: short protein forms L955V.
Identifiers: ClinVar variation 2835599 (VCV002835599.17), dbSNP rs752050966, ClinGen allele CA1194866.